The following is an entry in ClinVar:

ClinVar aggregate classification (germline): Pathogenic (1 of 4 stars; one submission).

Conditions:
Hereditary angioedema type 1 (HAE1). Identifiers: Orphanet 100050, Orphanet 100051, Orphanet 91378, MedGen C2717906, MONDO:0015053, OMIM 106100.

Submission:

Department of Immunology and Histocompatibility, University of Thessaly
Classification: Pathogenic for Hereditary angioedema type 1. Review status: criteria provided, single submitter. Criteria: ACMG Guidelines, 2015. Collection method: clinical testing. Allele origin: germline. Affected: yes. Observed: 1 variant allele.
Comment: The c.1180delA (p.Thr394Leufs*3) variant has been previously reported in association with hereditary angioedema in the literature (Speletas et al., 2015, Loules et al., 2018). It has never been detected in approximately 120000 individuals of the Exome Aggregation Consortium (ExAC), indicating that it is not a common variant. One different variant, changing the same residue, c.1180A>C (p.Thr394Pro) has been previously reported in association with C1-INH HAE in the literature (Verpy et al., 1996). Taking all the above into account and according to ACMG Guidelines (Criteria: PVS1, PS1, PM2, PM4, PP4) the variant is considered pathogenic.

Literature cited by the submitters: PubMed 29753808.

NM_000062.3(SERPING1):c.1180del (p.Thr394fs)

Gene: SERPING1 (serpin family G member 1; plus strand). Cytogenetic location: 11q12.1.
Variant type: Deletion.
Coding change: c.1180del on transcript NM_000062.3 (MANE Select); coding-DNA position 1180, one base deleted (A; older notation c.1180delA).
Protein change: p.Thr394fs; shifts the reading frame from threonine 394.
Molecular consequence: frameshift variant.
Genome position (GRCh38, 1-based): chr11:57,611,867, A deleted. VCF-style (leftmost placement, unchanged base first): chr11-57611866-CA-C. GRCh37 (hg19) VCF-style: chr11-57379339-CA-C.
Other names: c.1180del, p.Thr394fs (NM_001032295.2); short protein forms T394fs.
Identifiers: ClinVar variation 690356 (VCV000690356.2), dbSNP rs1590829763, ClinGen allele CA915948107.